The following is an entry in ClinVar:

NM_004991.4(MECOM):c.1068G>A (p.Thr356=)

Gene: MECOM (MDS1 and EVI1 complex locus; minus strand). Cytogenetic location: 3q26.2.
Variant type: single nucleotide variant.
Coding change: c.1068G>A on transcript NM_004991.4 (MANE Select); coding-DNA position 1068, G replaced by A.
Protein change: p.Thr356=; no amino-acid change (threonine 356 retained).
Molecular consequence: synonymous variant.
Genome position (GRCh38, 1-based): chr3:169,121,120, C>T on the plus strand (G>A on the coding strand, the complement: MECOM is on the minus strand). VCF-style: chr3-169121120-C-T. GRCh37 (hg19) VCF-style: chr3-168838908-C-T.
Other names: c.1068G>A (NM_004991.3); c.699G>A, p.Thr233= (NM_001105077.4); c.504G>A, p.Thr168= (NM_001105078.4, NM_001164000.2, NM_001205194.2 and 5 more transcripts); c.507G>A, p.Thr169= (NM_001163999.2, NM_001366467.2, NM_001366468.2 and 1 more transcripts); c.1068G>A, p.Thr356= (NM_001366466.2, NM_001366473.2).
Identifiers: ClinVar variation 3029973 (VCV003029973.5), dbSNP rs770726960, ClinGen allele CA2696394.
Genomic context (GRCh38, chr3:169,121,120, plus strand): 5'-AAAGGGCTTCACACTGCTGTGGATGTGCTTGTGTTGTTTGAGGCCCGACGAAGTGGCAAA[C>T]GTTTTGCCACACTCCGGGCATGCATGGGCCCGGGCACCGACATGCTGAGAGCGAATGTGC-3'
Protein context (NP_004982.2, residues 346-366): RAHACPECGK[Thr356=]FATSSGLKQH

ClinVar aggregate classification (germline): Likely benign. Review status: criteria provided, multiple submitters, no conflicts (2 of 4 stars). 3 submissions from 3 submitters: Likely benign (2). 1 of the submissions does not count toward it. Last evaluated 2024-11-23.

Conditions:
MECOM-related disorder. Also called: MECOM-related condition.
Inborn genetic diseases. Identifiers: MedGen C0950123, MeSH D030342.

Allele frequency attached by ClinVar (database versions not stated): TOPMed 0.00001; ExAC 0.00002; gnomAD 0.00002.
gnomAD v4.1: 16 of 1,613,430 alleles (0.00099%); highest among the groups gnomAD compares: African/African-American, 0.0027%; no homozygotes.

Submissions (3):

Ambry Genetics
Classification: Likely benign for Inborn genetic diseases. Last evaluated: 2024-11-23. Review status: criteria provided, single submitter. Criteria: Ambry Variant Classification Scheme 2023. Collection method: clinical testing. Allele origin: germline.

Labcorp Genetics (formerly Invitae), Labcorp
Classification: Likely benign. Last evaluated: 2024-04-15. Review status: criteria provided, single submitter. Criteria: Invitae Variant Classification Sherloc (09022015). Collection method: clinical testing. Allele origin: germline.

PreventionGenetics, part of Exact Sciences
Classification: Likely benign for MECOM-related condition. Last evaluated: 2021-03-25. Review status: no assertion criteria provided. Collection method: clinical testing. Allele origin: germline. Not counted in ClinVar's aggregate classification.
Comment: This variant is classified as likely benign based on ACMG/AMP sequence variant interpretation guidelines (Richards et al. 2015 PMID: 25741868, with internal and published modifications).